The following is an entry in ClinVar:

NM_006231.4(POLE):c.4546G>T (p.Asp1516Tyr)

Gene: POLE (DNA polymerase epsilon, catalytic subunit; minus strand). Cytogenetic location: 12q24.33.
Variant type: single nucleotide variant.
Coding change: c.4546G>T on transcript NM_006231.4 (MANE Select); coding-DNA position 4546, G replaced by T.
Protein change: p.Asp1516Tyr; replaces aspartic acid 1516 with tyrosine.
Molecular consequence: missense variant.
Genome position (GRCh38, 1-based): chr12:132,643,229, C>A on the plus strand (G>T on the coding strand, the complement: POLE is on the minus strand). VCF-style: chr12-132643229-C-A. GRCh37 (hg19) VCF-style: chr12-133219815-C-A.
Other names: c.4546G>T (NM_006231.2); short protein forms D1516Y.
Identifiers: ClinVar variation 2865389 (VCV002865389.4), dbSNP rs2042194406, ClinGen allele CA387380286.

ClinVar aggregate classification (germline): Uncertain significance. Review status: criteria provided, multiple submitters, no conflicts (2 of 4 stars). 2 submissions from 2 submitters: Uncertain significance (2). Last evaluated 2026-07-13.

Conditions:
Hereditary cancer-predisposing syndrome. Also called: Hereditary Cancer Syndrome; Hereditary neoplastic syndrome; Neoplastic Syndromes, Hereditary; Tumor predisposition. Identifiers: Orphanet 140162, MedGen C0027672, MeSH D009386, MONDO:0015356.

Allele frequency attached by ClinVar (database versions not stated): TOPMed below 0.00001.

Submissions (2):

Ambry Genetics
Classification: Uncertain significance for Hereditary cancer-predisposing syndrome. Last evaluated: 2026-07-13. Review status: criteria provided, single submitter. Criteria: Ambry Variant Classification Scheme 2023. Collection method: clinical testing. Allele origin: germline.
Comment: The p.D1516Y variant (also known as c.4546G>T), located in coding exon 35 of the POLE gene, results from a G to T substitution at nucleotide position 4546. The aspartic acid at codon 1516 is replaced by tyrosine, an amino acid with highly dissimilar properties. This amino acid position is conserved. In addition, the in silico prediction for this alteration is inconclusive. Based on the available evidence, the clinical significance of this variant remains unclear.

Labcorp Genetics (formerly Invitae), Labcorp
Classification: Uncertain significance. Last evaluated: 2023-05-18. Review status: criteria provided, single submitter. Criteria: Invitae Variant Classification Sherloc (09022015). Collection method: clinical testing. Allele origin: germline.
Comment: This variant has not been reported in the literature in individuals affected with POLE-related conditions. This sequence change replaces aspartic acid, which is acidic and polar, with tyrosine, which is neutral and polar, at codon 1516 of the POLE protein (p.Asp1516Tyr). This variant is not present in population databases (gnomAD no frequency). Advanced modeling of protein sequence and biophysical properties (such as structural, functional, and spatial information, amino acid conservation, physicochemical variation, residue mobility, and thermodynamic stability) performed at Invitae indicates that this missense variant is expected to disrupt POLE protein function. In summary, the available evidence is currently insufficient to determine the role of this variant in disease. Therefore, it has been classified as a Variant of Uncertain Significance.